The following is an entry in ClinVar:

NM_000093.5(COL5A1):c.791C>T (p.Thr264Met)

Gene: COL5A1 (collagen type V alpha 1 chain; plus strand). Cytogenetic location: 9q34.3.
Variant type: single nucleotide variant.
Coding change: c.791C>T on transcript NM_000093.5 (MANE Select); coding-DNA position 791, C replaced by T.
Protein change: p.Thr264Met; replaces threonine 264 with methionine.
Molecular consequence: missense variant.
Genome position (GRCh38, 1-based): chr9:134,728,674, C>T. VCF-style: chr9-134728674-C-T. GRCh37 (hg19) VCF-style: chr9-137620520-C-T.
Other names: c.791C>T, p.Thr264Met (NM_001278074.1); c.791C>T (NM_000093.4); short protein forms T264M.
Identifiers: ClinVar variation 519623 (VCV000519623.38), dbSNP rs148548209, ClinGen allele CA5318542.

ClinVar aggregate classification (germline): Conflicting classifications of pathogenicity. Review status: criteria provided, conflicting classifications (1 of 4 stars). 7 submissions from 7 submitters: Uncertain significance (4); Benign (1); Likely benign (2). Last evaluated 2026-06-18.

Conditions:
Familial thoracic aortic aneurysm and aortic dissection (TAAD). Also called: Thoracic aortic aneurysms and dissections. Identifiers: Orphanet 91387, MedGen C4707243, MONDO:0019625.
COL5A1-related disorder. Also called: COL5A1-related condition.
Ehlers-Danlos syndrome, classic type, 1 (EDSCL1). Also called: Ehlers-Danlos Syndrome, Classic Type, COL5A1-Related; EDS I; Ehlers-Danlos syndrome, type 1; EHLERS-DANLOS SYNDROME, GRAVIS TYPE; EHLERS-DANLOS SYNDROME, SEVERE CLASSIC TYPE. Identifiers: MedGen C0268335, MONDO:0019567, OMIM 130000.

Allele frequency attached by ClinVar (database versions not stated): ExAC 0.00002; gnomAD exomes 0.00002 and 0.00003; gnomAD 0.00006; TOPMed 0.00007; ESP Exome Variant Server 0.00008.
gnomAD v4.1: 33 of 1,613,930 alleles (0.002%); highest among the groups gnomAD compares: Middle Eastern, 0.016%; no homozygotes.

Submissions (7):

PreventionGenetics, part of Exact Sciences
Classification: Uncertain significance for COL5A1-related condition. Last evaluated: 2026-06-18. Review status: criteria provided, single submitter. Criteria: ACMG Guidelines, 2015. Collection method: clinical testing. Allele origin: germline.
Comment: The COL5A1 c.791C>T variant is predicted to result in the amino acid substitution p.Thr264Met. To our knowledge, this variant has not been reported in the literature. This variant is reported in 0.012% of alleles in individuals of African descent in gnomAD, which is likely too common for an undocumented disease-causing variant. Although we suspect that this variant may be benign, at this time, the clinical significance of this variant is uncertain due to the absence of conclusive functional and genetic evidence.

Labcorp Genetics (formerly Invitae), Labcorp
Classification: Benign for Ehlers-Danlos syndrome, classic type, 1. Last evaluated: 2025-08-29. Review status: criteria provided, single submitter. Criteria: Invitae Variant Classification Sherloc (09022015). Collection method: clinical testing. Allele origin: germline.

ARUP Laboratories, Molecular Genetics and Genomics, ARUP Laboratories
Classification: Uncertain significance. Last evaluated: 2025-07-02. Review status: criteria provided, single submitter. Criteria: ARUP Molecular Germline Variant Investigation Process 2024. Collection method: clinical testing. Allele origin: germline.
Comment: The COL5A1 c.791C>T; p.Thr264Met variant (rs148548209, ClinVar Variation ID: 519623) is reported in the literature in an individual with features of Ehlers-Danlos syndrome, although it was not demonstrated to be disease-causing (Emanuela 2019). This variant is found in the general population with an overall allele frequency of 0.0028% (8/282,764 alleles) in the Genome Aggregation Database (v2.1.1). Computational analyses are uncertain whether this variant is neutral or deleterious (REVEL: 0.337). Due to limited information, the clinical significance of this variant is uncertain at this time. References: Emanuela C et al. Spontaneous Renal Artery Dissection in Ehler-Danlos Syndrome. Kidney Int Rep. 2019 Aug 14;4(11):1649-1652. PMID: 31891009.

Blueprint Genetics
Classification: Likely benign. Last evaluated: 2024-05-02. Review status: criteria provided, single submitter. Criteria: ACMG Guidelines, 2015. Collection method: clinical testing. Allele origin: germline.

GeneDx
Classification: Uncertain significance. Last evaluated: 2024-02-14. Review status: criteria provided, single submitter. Criteria: GeneDx Variant Classification Process June 2021. Collection method: clinical testing. Allele origin: germline. Affected: yes.
Comment: In silico analysis supports that this missense variant does not alter protein structure/function; Identified in a patient with spontaneous renal artery dissection and history of hyperflexibility and clubfoot in childhood with no other signs of Ehlers-Danlos syndrome (EDS) but with a reported family history of EDS hypermobility type in a daughter (PMID: 31891009); This variant is associated with the following publications: (PMID: 22696272, 31891009)

CeGaT Center for Human Genetics Tuebingen
Classification: Likely benign. Last evaluated: 2024-02-01. Review status: criteria provided, single submitter. Criteria: CeGaT Center For Human Genetics Tuebingen Variant Classification Criteria Version 2. Collection method: clinical testing. Allele origin: germline. Affected: yes. Observed: 1 variant allele.
Comment: COL5A1: BS2

Ambry Genetics
Classification: Uncertain significance for Familial thoracic aortic aneurysm and aortic dissection. Last evaluated: 2016-01-26. Review status: criteria provided, single submitter. Criteria: Ambry Variant Classification Scheme 2023. Collection method: clinical testing. Allele origin: germline.
Comment: The p.T264M variant (also known as c.791C>T), located in coding exon 6 of the COL5A1 gene, results from a C to T substitution at nucleotide position 791. The threonine at codon 264 is replaced by methionine, an amino acid with similar properties. This variant was previously reported in the SNPDatabase as rs148548209. Based on data from ExAC, the T allele has an overall frequency of approximately 0.002% (3/121238). The highest observed frequency was 0.009% (1/10382) of African alleles (Exome Aggregation Consortium (ExAC), Cambridge, MA (URL) [Accessed January 26, 2016]). Based on data from the NHLBI Exome Sequencing Project (ESP), the T allele has an overall frequency of approximately 0.01% (1/13006) total alleles studied, having been observed in 0.02% (1/4406) African American alleles. This amino acid position is poorly conserved in available vertebrate species. In addition, this alteration is predicted to be tolerated by in silico analysis. Since supporting evidence is limited at this time, the clinical significance of this variant remains unclear.